The following is an entry in ClinVar:

ClinVar aggregate classification (germline): Likely benign. Review status: criteria provided, single submitter (1 of 4 stars). 2 submissions from 2 submitters: Likely benign (1). 1 of the submissions does not count toward it. Last evaluated 2024-04-24.

Conditions:
ZFHX3-related disorder. Also called: ZFHX3-related condition.

Submissions (2):

Blueprint Genetics
Classification: Likely benign. Last evaluated: 2024-04-24. Review status: criteria provided, single submitter. Criteria: ACMG Guidelines, 2015. Collection method: clinical testing. Allele origin: germline.

PreventionGenetics, part of Exact Sciences
Classification: Likely benign for ZFHX3-related condition. Last evaluated: 2019-07-10. Review status: no assertion criteria provided. Collection method: clinical testing. Allele origin: germline. Not counted in ClinVar's aggregate classification.
Comment: This variant is classified as likely benign based on ACMG/AMP sequence variant interpretation guidelines (Richards et al. 2015 PMID: 25741868, with internal and published modifications).

NM_006885.4(ZFHX3):c.10794T>G (p.Pro3598=)

Genes: ZFHX3 (zinc finger homeobox 3; minus strand), ZFHX3-AS1 (ZFHX3 antisense RNA 1; plus strand). Cytogenetic location: 16q22.2.
Variant type: single nucleotide variant.
Coding change: c.10794T>G on transcript NM_006885.4 (MANE Select); coding-DNA position 10794, T replaced by G.
Protein change: p.Pro3598=; no amino-acid change (proline 3598 retained).
Molecular consequence: synonymous variant. On other transcripts: non-coding transcript variant (1).
Genome position (GRCh38, 1-based): chr16:72,787,482, A>C on the plus strand (T>G on the coding strand, the complement: ZFHX3 is on the minus strand). VCF-style: chr16-72787482-A-C. GRCh37 (hg19) VCF-style: chr16-72821381-A-C.
Other names: c.8052T>G, p.Pro2684= (NM_001164766.2); c.10794T>G, p.Pro3598= (NM_001386735.1).
Identifiers: ClinVar variation 3050798 (VCV003050798.3), dbSNP rs1163046025, ClinGen allele CA496417041.